The following is an entry in ClinVar:

ClinVar aggregate classification (germline): Benign. Review status: criteria provided, multiple submitters, no conflicts (2 of 4 stars). 2 submissions from 2 submitters: Benign (2). Last evaluated 2018-07-09.

Allele frequency attached by ClinVar (database versions not stated): gnomAD 0.02902 and 0.02970; 1000 Genomes Project 0.03914; 1000 Genomes Project 30x 0.04450.

Submissions (2):

GeneDx
Classification: Benign. Last evaluated: 2018-07-09. Review status: criteria provided, single submitter. Criteria: GeneDx Variant Classification Process June 2021. Collection method: clinical testing. Allele origin: germline. Affected: yes.
Comment: This variant is associated with the following publications: (PMID: 16797877, 26202972)

Breakthrough Genomics
Classification: Benign. Review status: criteria provided, single submitter. Criteria: ACMG Guidelines, 2015. Collection method: not provided. Allele origin: germline. Inheritance: Autosomal dominant inheritance. Affected: yes.

NC_000011.10:g.61967704C>A

Genes: FTH1 (ferritin heavy chain 1; minus strand), LOC130005817 (ATAC-STARR-seq lymphoblastoid silent region 3410; plus strand), LOC399900 (uncharacterized LOC399900; plus strand). Cytogenetic location: 11q12.3.
Variant type: single nucleotide variant.
Genome position: GRCh38 VCF-style: chr11-61967704-C-A. GRCh37 (hg19) VCF-style: chr11-61735176-C-A.
Identifiers: ClinVar variation 1297300 (VCV001297300.4), dbSNP rs114778979, ClinGen allele CA222949790.